The following is an entry in ClinVar:

NM_015978.3(TNNI3K):c.890G>A (p.Ser297Asn)

Genes: FPGT-TNNI3K (FPGT-TNNI3K readthrough; plus strand), TNNI3K (TNNI3 interacting kinase; plus strand). Cytogenetic location: 1p31.1.
Variant type: single nucleotide variant.
Coding change: c.890G>A on transcript NM_015978.3 (MANE Select); coding-DNA position 890, G replaced by A.
Protein change: p.Ser297Asn; replaces serine 297 with asparagine.
Molecular consequence: missense variant.
Genome position (GRCh38, 1-based): chr1:74,343,137, G>A. VCF-style: chr1-74343137-G-A. GRCh37 (hg19) VCF-style: chr1-74808821-G-A.
Other names: c.1193G>A, p.Ser398Asn (NM_001112808.3, NM_001199327.2); short protein forms S297N, S398N.
Identifiers: ClinVar variation 3630468 (VCV003630468.2).
Genomic context (GRCh38, chr1:74,343,137, plus strand): 5'-CATGCTACAATGGCAAATTTGAAGTTGCCAAGGAAATCATCCAAATATCAGGAACAGAAA[G>A]TCTGACTAAGGAAAACATCTTCAGTGAAACAGCTTTTCATAGGTAAAAGAATATTTAAGT-3'
Protein context (NP_057062.1, residues 287-307): KEIIQISGTE[Ser297Asn]LTKENIFSET

ClinVar aggregate classification (germline): Uncertain significance (1 of 4 stars; one submission).

Submission:

Labcorp Genetics (formerly Invitae), Labcorp
Classification: Uncertain significance. Last evaluated: 2025-01-16. Review status: criteria provided, single submitter. Criteria: Invitae Variant Classification Sherloc (09022015). Collection method: clinical testing. Allele origin: germline.
Comment: This sequence change replaces serine, which is neutral and polar, with asparagine, which is neutral and polar, at codon 297 of the TNNI3K protein (p.Ser297Asn). This variant is not present in population databases (gnomAD no frequency). This variant has not been reported in the literature in individuals affected with TNNI3K-related conditions. Invitae Evidence Modeling of protein sequence and biophysical properties (such as structural, functional, and spatial information, amino acid conservation, physicochemical variation, residue mobility, and thermodynamic stability) indicates that this missense variant is not expected to disrupt TNNI3K protein function with a negative predictive value of 80%. In summary, the available evidence is currently insufficient to determine the role of this variant in disease. Therefore, it has been classified as a Variant of Uncertain Significance.